The following is an entry in ClinVar:

ClinVar aggregate classification (germline): Uncertain significance. Review status: criteria provided, multiple submitters, no conflicts (2 of 4 stars). 3 submissions from 3 submitters: Uncertain significance (3). Last evaluated 2025-06-10.

Conditions:
Plasminogen deficiency, type I. Also called: Type 1 plasminogen deficiency; Hypoplasminogenemia. Identifiers: Orphanet 722, MedGen C1968804, MONDO:0009009, OMIM 217090.
Angioedema, hereditary, 4. Identifiers: MedGen C5543503, MONDO:0025712, OMIM 619360.
Inborn genetic diseases. Identifiers: MedGen C0950123, MeSH D030342.

Allele frequency attached by ClinVar (database versions not stated): ExAC 0.00001; gnomAD 0.00001; TOPMed 0.00002; ESP Exome Variant Server 0.00008.

Submissions (3):

Ambry Genetics
Classification: Uncertain significance for Inborn genetic diseases. Last evaluated: 2025-06-10. Review status: criteria provided, single submitter. Criteria: Ambry Variant Classification Scheme 2023. Collection method: clinical testing. Allele origin: germline.

Fulgent Genetics
Classification: Uncertain significance for Plasminogen deficiency, type I; Angioedema, hereditary, 4. Last evaluated: 2024-05-01. Review status: criteria provided, single submitter. Criteria: ACMG Guidelines, 2015. Collection method: clinical testing. Allele origin: germline.

Labcorp Genetics (formerly Invitae), Labcorp
Classification: Uncertain significance. Last evaluated: 2022-11-12. Review status: criteria provided, single submitter. Criteria: Invitae Variant Classification Sherloc (09022015). Collection method: clinical testing. Allele origin: germline.
Comment: This sequence change replaces glutamine, which is neutral and polar, with histidine, which is basic and polar, at codon 341 of the PLG protein (p.Gln341His). This variant is present in population databases (rs138051887, gnomAD 0.002%). This variant has not been reported in the literature in individuals affected with PLG-related conditions. Advanced modeling of protein sequence and biophysical properties (such as structural, functional, and spatial information, amino acid conservation, physicochemical variation, residue mobility, and thermodynamic stability) performed at Invitae indicates that this missense variant is not expected to disrupt PLG protein function. In summary, the available evidence is currently insufficient to determine the role of this variant in disease. Therefore, it has been classified as a Variant of Uncertain Significance.

NM_000301.5(PLG):c.1023A>T (p.Gln341His)

Gene: PLG (plasminogen; plus strand). Cytogenetic location: 6q26.
Variant type: single nucleotide variant.
Coding change: c.1023A>T on transcript NM_000301.5 (MANE Select); coding-DNA position 1023, A replaced by T.
Protein change: p.Gln341His; replaces glutamine 341 with histidine.
Molecular consequence: missense variant.
Genome position (GRCh38, 1-based): chr6:160,718,765, A>T. VCF-style: chr6-160718765-A-T. GRCh37 (hg19) VCF-style: chr6-161139797-A-T.
Other names: short protein forms Q341H.
Identifiers: ClinVar variation 2148701 (VCV002148701.6), dbSNP rs138051887, ClinGen allele CA4087646.